The following is an entry in ClinVar:

NM_001005242.3(PKP2):c.1379-2103A>G

Gene: PKP2 (plakophilin 2; minus strand). Cytogenetic location: 12p11.21.
Variant type: single nucleotide variant.
Coding change: c.1379-2103A>G on transcript NM_001005242.3 (MANE Select); 2103 bases into the intron before coding-DNA position 1379, A replaced by G.
Molecular consequence: intron variant. On other transcripts: missense variant (1).
Genome position (GRCh38, 1-based): chr12:32,843,308, T>C on the plus strand (A>G on the coding strand, the complement: PKP2 is on the minus strand). VCF-style: chr12-32843308-T-C. GRCh37 (hg19) VCF-style: chr12-32996242-T-C.
Other names: c.1384A>G, p.Thr462Ala (NM_004572.4); short protein forms T462A.
Identifiers: ClinVar variation 928157 (VCV000928157.13), dbSNP rs764608036, ClinGen allele CA028065.

ClinVar aggregate classification (germline): Conflicting classifications of pathogenicity. Review status: criteria provided, conflicting classifications (1 of 4 stars). 4 submissions from 4 submitters: Uncertain significance (1); Likely benign (3). Last evaluated 2025-11-26.

Conditions:
Arrhythmogenic right ventricular cardiomyopathy (ARVD). Also called: Arrhythmogenic cardiomyopathy; Cardiomyopathy, ARVC; Arrhythmogenic right ventricular dysplasia; Arrhythmogenic Right Ventricular Cardiomyopathy (ARVC). Identifiers: Orphanet 247, MedGen C0349788, MeSH D019571, MONDO:0016587. Disease mechanism: loss of function. Inheritance: Various modes of inheritance.
Cardiomyopathy (CMYO). Also called: Cardiomyopathies. Identifiers: Orphanet 167848, MedGen C0878544, MONDO:0004994, HP:0001638. Inheritance: Various modes of inheritance.
Cardiovascular phenotype. Identifiers: MedGen CN230736.
Arrhythmogenic right ventricular dysplasia 9 (ARVD9). Also called: Arrhythmogenic Right Ventricular Dysplasia/Cardiomyopathy 9; ARRHYTHMOGENIC RIGHT VENTRICULAR DYSPLASIA, FAMILIAL, 9. Identifiers: MedGen C1836906, MONDO:0012180, OMIM 609040.

Allele frequency attached by ClinVar (database versions not stated): gnomAD exomes 0.00001 and 0.00002; ExAC 0.00002.
gnomAD v4.1: 8 of 1,364,930 alleles (0.00059%); highest among the groups gnomAD compares: South Asian, 0.008%; no homozygotes.

Submissions (4):

Labcorp Genetics (formerly Invitae), Labcorp
Classification: Uncertain significance for Arrhythmogenic right ventricular dysplasia 9. Last evaluated: 2025-11-26. Review status: criteria provided, single submitter. Criteria: Invitae Variant Classification Sherloc (09022015). Collection method: clinical testing. Allele origin: germline.
Comment: This sequence change replaces threonine, which is neutral and polar, with alanine, which is neutral and non-polar, at codon 462 of the PKP2 protein (p.Thr462Ala). This variant is present in population databases (rs764608036, gnomAD 0.01%). This variant has not been reported in the literature in individuals affected with PKP2-related conditions. ClinVar contains an entry for this variant (Variation ID: 928157). An algorithm developed to predict the effect of missense changes on protein structure and function outputs the following: PolyPhen-2: "Benign". The alanine amino acid residue is found in multiple mammalian species, which suggests that this missense change does not adversely affect protein function. In summary, the available evidence is currently insufficient to determine the role of this variant in disease. Therefore, it has been classified as a Variant of Uncertain Significance.

Color Diagnostics, LLC DBA Color Health
Classification: Likely benign for Cardiomyopathy. Last evaluated: 2024-09-04. Review status: criteria provided, single submitter. Criteria: ACMG Guidelines, 2015. Collection method: clinical testing. Allele origin: germline.

All of Us Research Program, National Institutes of Health
Classification: Likely benign for Arrhythmogenic right ventricular cardiomyopathy. Last evaluated: 2023-03-04. Review status: criteria provided, single submitter. Criteria: ACMG Guidelines, 2015. Collection method: clinical testing. Allele origin: germline. Inheritance: Autosomal dominant inheritance. Observed: 1 variant allele, 1 heterozygote.
Comment: This study involves interpretation of variants in research participants for the purpose of population health screening. Participant phenotype was not available at the time of variant classification. Additional details can be found in publication PMID: 35346344, PMCID: PMC8962531

Ambry Genetics
Classification: Likely benign for Cardiovascular phenotype. Last evaluated: 2022-01-11. Review status: criteria provided, single submitter. Criteria: Ambry Variant Classification Scheme 2023. Collection method: clinical testing. Allele origin: germline.